The following is an entry in ClinVar:

ClinVar aggregate classification (germline): Uncertain significance. Review status: criteria provided, multiple submitters, no conflicts (2 of 4 stars). 4 submissions from 4 submitters: Uncertain significance (3). 1 of the submissions does not count toward it. Last evaluated 2026-06-02.

Conditions:
BTD-related disorder. Also called: BTD-related condition.
Biotinidase deficiency. Also called: BTD deficiency; Late-onset biotin-responsive multiple carboxylase deficiency; Biotin deficiency. Identifiers: Orphanet 79241, MedGen C0220754, MONDO:0009665, OMIM 253260.

Allele frequency attached by ClinVar (database versions not stated): ExAC 0.00001; gnomAD exomes 0.00002 and 0.00005; gnomAD 0.00003; TOPMed 0.00004; ESP Exome Variant Server 0.00015.
gnomAD v4.1: 74 of 1,614,036 alleles (0.0046%); highest among the groups gnomAD compares: Non-Finnish European, 0.0062%; no homozygotes.

Submissions (4):

PreventionGenetics, part of Exact Sciences
Classification: Uncertain significance for BTD-related condition. Last evaluated: 2026-06-02. Review status: criteria provided, single submitter. Criteria: ACMG Guidelines, 2015. Collection method: clinical testing. Allele origin: germline.
Comment: The BTD c.437C>G variant is predicted to result in the amino acid substitution p.Pro146Arg. To our knowledge, this variant has not been reported in the literature. This variant is reported in 0.0062% of alleles in individuals of European (Non-Finnish) descent in gnomAD. At this time, the clinical significance of this variant is uncertain due to the absence of conclusive functional and genetic evidence.

Blueprint Genetics
Classification: Uncertain significance. Last evaluated: 2024-01-22. Review status: criteria provided, single submitter. Criteria: ACMG Guidelines, 2015. Collection method: clinical testing. Allele origin: germline.

Fulgent Genetics
Classification: Uncertain significance for Biotinidase deficiency. Last evaluated: 2021-08-16. Review status: criteria provided, single submitter. Criteria: ACMG Guidelines, 2015. Collection method: clinical testing. Allele origin: unknown.

Department of Pathology and Laboratory Medicine, Sinai Health System
Classification: Uncertain significance. Review status: no assertion criteria provided. Collection method: clinical testing. Allele origin: unknown. Affected: yes. Study: The Canadian Open Genetics Repository (COGR). Not counted in ClinVar's aggregate classification.
Comment: The BTD p.Pro146Arg variant was not identified in the literature nor was it identified in ClinVar or LOVD 3.0. The variant was identified in dbSNP (ID: rs371116229) and was identified in control databases in 8 of 282734 chromosomes at a frequency of 0.0000283 (Genome Aggregation Database March 6, 2019, v2.1.1). The variant was observed in the European (non-Finnish) population in 8 of 129110 chromosomes (freq: 0.000062), but was not observed in the African, Latino, Ashkenazi Jewish, East Asian, European (Finnish), Other, or South Asian populations. The p.Pro146 residue is not conserved in mammals and computational analyses (PolyPhen-2, SIFT, AlignGVGD, BLOSUM, MutationTaster) provide inconsistent predictions regarding the impact to the protein; this information is not very predictive of pathogenicity. The variant occurs outside of the splicing consensus sequence and in silico or computational prediction software programs (SpliceSiteFinder, MaxEntScan, NNSPLICE, GeneSplicer) do not predict a difference in splicing. In summary, based on the above information the clinical significance of this variant cannot be determined with certainty at this time. This variant is classified as a variant of uncertain significance.

NM_001370658.1(BTD):c.377C>G (p.Pro126Arg)

Gene: BTD (biotinidase; plus strand). Cytogenetic location: 3p25.1.
Variant type: single nucleotide variant.
Coding change: c.377C>G on transcript NM_001370658.1 (MANE Select); coding-DNA position 377, C replaced by G.
Protein change: p.Pro126Arg; replaces proline 126 with arginine.
Molecular consequence: missense variant.
Genome position (GRCh38, 1-based): chr3:15,642,035, C>G. VCF-style: chr3-15642035-C-G. GRCh37 (hg19) VCF-style: chr3-15683542-C-G.
Other names: c.377C>G, p.Pro126Arg (NM_001370753.1, NM_001407364.1, NM_001407365.1 and 36 more transcripts); c.437C>G, p.Pro146Arg (NM_000060.4); c.440C>G, p.Pro147Arg (NM_001407381.1); short protein forms P126R, P146R, P147R.
Identifiers: ClinVar variation 1049760 (VCV001049760.5), dbSNP rs371116229, ClinGen allele CA2277308.
Genomic context (GRCh38, chr3:15,642,035, plus strand): 5'-ATCCATTTTTGGACTTCATGCCGTCTCCCCAGGTGGTCAGGTGGAACCCATGCCTGGAGC[C>G]TCACCGCTTCAATGACACAGAGGTGATTCCTGCCTTTTTCCTCAGTAGGCTGAGGGTACA-3'
Protein context (NP_001357587.1, residues 116-136): QVVRWNPCLE[Pro126Arg]HRFNDTEVLQ